The following is an entry in ClinVar:

NM_001194998.2(CEP152):c.4901G>A (p.Arg1634His)

Gene: CEP152 (centrosomal protein 152; minus strand). Cytogenetic location: 15q21.1.
Variant type: single nucleotide variant.
Coding change: c.4901G>A on transcript NM_001194998.2 (MANE Select); coding-DNA position 4901, G replaced by A.
Protein change: p.Arg1634His; replaces arginine 1634 with histidine.
Molecular consequence: missense variant.
Genome position (GRCh38, 1-based): chr15:48,738,481, C>T on the plus strand (G>A on the coding strand, the complement: CEP152 is on the minus strand). VCF-style: chr15-48738481-C-T. GRCh37 (hg19) VCF-style: chr15-49030678-C-T.
Other names: c.4733G>A, p.Arg1578His (NM_014985.4); short protein forms R1578H, R1634H.
Identifiers: ClinVar variation 2420758 (VCV002420758.3), dbSNP rs561222742, ClinGen allele CA7548015.

ClinVar aggregate classification (germline): Uncertain significance (1 of 4 stars; one submission).

Allele frequency attached by ClinVar (database versions not stated): ExAC 0.00002; gnomAD exomes 0.00002; TOPMed 0.00002; gnomAD 0.00003; 1000 Genomes Project 30x 0.00016; 1000 Genomes Project 0.00020.
gnomAD v4.1: 38 of 1,614,220 alleles (0.0024%); highest among the groups gnomAD compares: East Asian, 0.025%; no homozygotes.

Submission:

Labcorp Genetics (formerly Invitae), Labcorp
Classification: Uncertain significance. Last evaluated: 2022-07-21. Review status: criteria provided, single submitter. Criteria: Invitae Variant Classification Sherloc (09022015). Collection method: clinical testing. Allele origin: germline.
Comment: This sequence change replaces arginine, which is basic and polar, with histidine, which is basic and polar, at codon 1578 of the CEP152 protein (p.Arg1578His). This variant is present in population databases (rs561222742, gnomAD 0.02%). This variant has not been reported in the literature in individuals affected with CEP152-related conditions. Algorithms developed to predict the effect of missense changes on protein structure and function output the following: SIFT: "Tolerated"; PolyPhen-2: "Possibly Damaging"; Align-GVGD: "Class C0". The histidine amino acid residue is found in multiple mammalian species, which suggests that this missense change does not adversely affect protein function. In summary, the available evidence is currently insufficient to determine the role of this variant in disease. Therefore, it has been classified as a Variant of Uncertain Significance.